The following is an entry in ClinVar:

ClinVar aggregate classification (germline): Uncertain significance (1 of 4 stars; one submission).

Submission:

Labcorp Genetics (formerly Invitae), Labcorp
Classification: Uncertain significance. Last evaluated: 2025-03-23. Review status: criteria provided, single submitter. Criteria: Invitae Variant Classification Sherloc (09022015). Collection method: clinical testing. Allele origin: germline.
Comment: This sequence change replaces glutamic acid, which is acidic and polar, with alanine, which is neutral and non-polar, at codon 1769 of the MYH9 protein (p.Glu1769Ala). This variant is not present in population databases (gnomAD no frequency). This variant has not been reported in the literature in individuals affected with MYH9-related conditions. Invitae Evidence Modeling of protein sequence and biophysical properties (such as structural, functional, and spatial information, amino acid conservation, physicochemical variation, residue mobility, and thermodynamic stability) indicates that this missense variant is not expected to disrupt MYH9 protein function with a negative predictive value of 95%. In summary, the available evidence is currently insufficient to determine the role of this variant in disease. Therefore, it has been classified as a Variant of Uncertain Significance.

NM_002473.6(MYH9):c.5306A>C (p.Glu1769Ala)

Gene: MYH9 (myosin heavy chain 9; minus strand). Cytogenetic location: 22q12.3.
Variant type: single nucleotide variant.
Coding change: c.5306A>C on transcript NM_002473.6 (MANE Select); coding-DNA position 5306, A replaced by C.
Protein change: p.Glu1769Ala; replaces glutamic acid 1769 with alanine.
Molecular consequence: missense variant.
Genome position (GRCh38, 1-based): chr22:36,285,298, T>G on the plus strand (A>C on the coding strand, the complement: MYH9 is on the minus strand). VCF-style: chr22-36285298-T-G. GRCh37 (hg19) VCF-style: chr22-36681344-T-G.
Other names: short protein forms E1769A.
Identifiers: ClinVar variation 4746153 (VCV004746153.1).
Genomic context (GRCh38, chr22:36,285,298, plus strand): 5'-TCCTTGTTCTGGCGTTCCAGCTGCTGCCGAGCATTCTCGTTCTTCTGGGCGTGGCTGCGC[T>G]CCAGGTTCAGGTCGGTGTTGATCTGGTCGATCTGCAGAAGAAGGGCCAGTGACCTTGGGG-3'
Protein context (NP_002464.1, residues 1759-1779): IDQINTDLNL[Glu1769Ala]RSHAQKNENA